The following is an entry in ClinVar:

NM_152268.4(PARS2):c.209G>C (p.Ser70Thr)

Gene: PARS2 (prolyl-tRNA synthetase 2, mitochondrial; minus strand). Cytogenetic location: 1p32.3.
Variant type: single nucleotide variant.
Coding change: c.209G>C on transcript NM_152268.4 (MANE Select); coding-DNA position 209, G replaced by C.
Protein change: p.Ser70Thr; replaces serine 70 with threonine.
Molecular consequence: missense variant.
Genome position (GRCh38, 1-based): chr1:54,758,953, C>G on the plus strand (G>C on the coding strand, the complement: PARS2 is on the minus strand). VCF-style: chr1-54758953-C-G. GRCh37 (hg19) VCF-style: chr1-55224626-C-G.
Other names: short protein forms S70T.
Identifiers: ClinVar variation 1310276 (VCV001310276.2), dbSNP rs2101408278, ClinGen allele CA340466196.

ClinVar aggregate classification (germline): Uncertain significance (1 of 4 stars; one submission).

Submission:

GeneDx
Classification: Uncertain significance. Last evaluated: 2019-12-05. Review status: criteria provided, single submitter. Criteria: GeneDx Variant Classification Process June 2021. Collection method: clinical testing. Allele origin: germline. Affected: yes.
Comment: Has not been previously published as pathogenic or benign to our knowledge; Not observed in large population cohorts (Lek et al., 2016); In silico analysis, which includes protein predictors and evolutionary conservation, supports that this variant does not alter protein structure/function